The following is an entry in ClinVar:

ClinVar aggregate classification (germline): Uncertain significance (1 of 4 stars; one submission).

Allele frequency attached by ClinVar (database versions not stated): gnomAD exomes below 0.00001; TOPMed below 0.00001; gnomAD 0.00001.
gnomAD v4.1: 3 of 1,610,330 alleles (0.00019%); highest among the groups gnomAD compares: East Asian, 0.0045%; no homozygotes.

Submission:

Ambry Genetics
Classification: Uncertain significance. Last evaluated: 2021-08-18. Review status: criteria provided, single submitter. Criteria: Ambry Variant Classification Scheme 2023. Collection method: clinical testing. Allele origin: germline.
Comment: The p.P1232L variant (also known as c.3695C>T), located in coding exon 31 of the PRKDC gene, results from a C to T substitution at nucleotide position 3695. The proline at codon 1232 is replaced by leucine, an amino acid with similar properties. This amino acid position is conserved. In addition, this alteration is predicted to be tolerated by in silico analysis. Since supporting evidence is limited at this time, the clinical significance of this alteration remains unclear.

NM_006904.7(PRKDC):c.3695C>T (p.Pro1232Leu)

Gene: PRKDC (protein kinase, DNA-activated, catalytic subunit; minus strand). Cytogenetic location: 8q11.21.
Variant type: single nucleotide variant.
Coding change: c.3695C>T on transcript NM_006904.7 (MANE Select); coding-DNA position 3695, C replaced by T.
Protein change: p.Pro1232Leu; replaces proline 1232 with leucine.
Molecular consequence: missense variant.
Genome position (GRCh38, 1-based): chr8:47,893,291, G>A on the plus strand (C>T on the coding strand, the complement: PRKDC is on the minus strand). VCF-style: chr8-47893291-G-A. GRCh37 (hg19) VCF-style: chr8-48805851-G-A.
Other names: c.3695C>T, p.Pro1232Leu (NM_001081640.2); short protein forms P1232L.
Identifiers: ClinVar variation 1733992 (VCV001733992.2), dbSNP rs1447784596, ClinGen allele CA371150700.